The following is an entry in ClinVar:

NM_015631.6(TCTN3):c.1142G>T (p.Gly381Val)

Gene: TCTN3 (tectonic family member 3; minus strand). Cytogenetic location: 10q24.1.
Variant type: single nucleotide variant.
Coding change: c.1142G>T on transcript NM_015631.6 (MANE Select); coding-DNA position 1142, G replaced by T.
Protein change: p.Gly381Val; replaces glycine 381 with valine.
Molecular consequence: missense variant.
Genome position (GRCh38, 1-based): chr10:95,683,583, C>A on the plus strand (G>T on the coding strand, the complement: TCTN3 is on the minus strand). VCF-style: chr10-95683583-C-A. GRCh37 (hg19) VCF-style: chr10-97443340-C-A.
Other names: c.698G>T, p.Gly233Val (NM_001143973.2); c.1061G>T, p.Gly354Val (NM_001410982.1); c.1142G>T (NM_015631.5); short protein forms G233V, G354V, G381V.
Identifiers: ClinVar variation 3748583 (VCV003748583.4).

ClinVar aggregate classification (germline): Uncertain significance. Review status: criteria provided, multiple submitters, no conflicts (2 of 4 stars). 3 submissions from 3 submitters: Uncertain significance (3). Last evaluated 2025-11-18.

Conditions:
Inborn genetic diseases. Identifiers: MedGen C0950123, MeSH D030342.
TCTN3-related disorder. Also called: TCTN3-related condition.
Joubert syndrome 18 (JBTS18). Identifiers: Orphanet 2754, MedGen C3553758, MONDO:0013896, OMIM 614815.
Orofacial-digital syndrome IV (OFD4). Also called: Orofaciodigital syndrome IV; BARAITSER-BURN SYNDROME; OFD SYNDROME WITH TIBIAL DEFECTS; OFD SYNDROME, BARAITSER-BURN TYPE; OFDS IV; ORAL-FACIAL-DIGITAL SYNDROME, TYPE IV. Identifiers: Orphanet 2753, MedGen C0406727, MONDO:0009794, OMIM 258860.

gnomAD v4.1: 3 of 1,614,102 alleles (0.00019%); highest among the groups gnomAD compares: Admixed American, 0.005%; no homozygotes.

Submissions (3):

PreventionGenetics, part of Exact Sciences
Classification: Uncertain significance for TCTN3-related condition. Last evaluated: 2025-11-18. Review status: criteria provided, single submitter. Criteria: ACMG Guidelines, 2015. Collection method: clinical testing. Allele origin: germline.
Comment: The TCTN3 c.1142G>T variant is predicted to result in the amino acid substitution p.Gly381Val. To our knowledge, this variant has not been reported in the literature. This variant is reported in 0.0029% of alleles in individuals of Latino descent in gnomAD. At this time, the clinical significance of this variant is uncertain due to the absence of conclusive functional and genetic evidence.

Ambry Genetics
Classification: Uncertain significance for Inborn genetic diseases. Last evaluated: 2025-09-24. Review status: criteria provided, single submitter. Criteria: Ambry Variant Classification Scheme 2023. Collection method: clinical testing. Allele origin: germline.

Labcorp Genetics (formerly Invitae), Labcorp
Classification: Uncertain significance for Joubert syndrome 18; Orofacial-digital syndrome IV. Last evaluated: 2024-12-24. Review status: criteria provided, single submitter. Criteria: Invitae Variant Classification Sherloc (09022015). Collection method: clinical testing. Allele origin: germline.
Comment: This sequence change replaces glycine, which is neutral and non-polar, with valine, which is neutral and non-polar, at codon 381 of the TCTN3 protein (p.Gly381Val). This variant is present in population databases (rs778822758, gnomAD 0.003%). This variant has not been reported in the literature in individuals affected with TCTN3-related conditions. Invitae Evidence Modeling of protein sequence and biophysical properties (such as structural, functional, and spatial information, amino acid conservation, physicochemical variation, residue mobility, and thermodynamic stability) indicates that this missense variant is expected to disrupt TCTN3 protein function with a positive predictive value of 80%. In summary, the available evidence is currently insufficient to determine the role of this variant in disease. Therefore, it has been classified as a Variant of Uncertain Significance.